The following is an entry in ClinVar:

ClinVar aggregate classification (germline): Uncertain significance. Review status: criteria provided, multiple submitters, no conflicts (2 of 4 stars). 2 submissions from 2 submitters: Uncertain significance (2). Last evaluated 2023-02-16.

Conditions:
Bethlem myopathy 1A. Also called: MYOPATHY, BENIGN CONGENITAL, WITH CONTRACTURES; Bethlem myopathy 1; Bethlem Muscular Dystrophy. Identifiers: Orphanet 610, MedGen CN029274, MONDO:0024530, OMIM 158810.
Inborn genetic diseases. Identifiers: MedGen C0950123, MeSH D030342.

Submissions (2):

Ambry Genetics
Classification: Uncertain significance for Inborn genetic diseases. Last evaluated: 2023-02-16. Review status: criteria provided, single submitter. Criteria: Ambry Variant Classification Scheme 2023. Collection method: clinical testing. Allele origin: germline.

Labcorp Genetics (formerly Invitae), Labcorp
Classification: Uncertain significance for Bethlem myopathy 1A. Last evaluated: 2023-01-22. Review status: criteria provided, single submitter. Criteria: Invitae Variant Classification Sherloc (09022015). Collection method: clinical testing. Allele origin: germline.
Comment: This variant has not been reported in the literature in individuals affected with COL6A3-related conditions. This variant is not present in population databases (gnomAD no frequency). This sequence change replaces lysine, which is basic and polar, with arginine, which is basic and polar, at codon 1418 of the COL6A3 protein (p.Lys1418Arg). Advanced modeling of protein sequence and biophysical properties (such as structural, functional, and spatial information, amino acid conservation, physicochemical variation, residue mobility, and thermodynamic stability) performed at Invitae indicates that this missense variant is not expected to disrupt COL6A3 protein function. In summary, the available evidence is currently insufficient to determine the role of this variant in disease. Therefore, it has been classified as a Variant of Uncertain Significance.

NM_004369.4(COL6A3):c.4253A>G (p.Lys1418Arg)

Gene: COL6A3 (collagen type VI alpha 3 chain; minus strand). Cytogenetic location: 2q37.3.
Variant type: single nucleotide variant.
Coding change: c.4253A>G on transcript NM_004369.4 (MANE Select); coding-DNA position 4253, A replaced by G.
Protein change: p.Lys1418Arg; replaces lysine 1418 with arginine.
Molecular consequence: missense variant.
Genome position (GRCh38, 1-based): chr2:237,371,764, T>C on the plus strand (A>G on the coding strand, the complement: COL6A3 is on the minus strand). VCF-style: chr2-237371764-T-C. GRCh37 (hg19) VCF-style: chr2-238280407-T-C.
Other names: c.3032A>G, p.Lys1011Arg (NM_057164.5); c.3635A>G, p.Lys1212Arg (NM_057165.5, NM_057167.4); c.2432A>G, p.Lys811Arg (NM_057166.5); short protein forms K1212R, K1418R, K1011R, K811R.
Identifiers: ClinVar variation 2485764 (VCV002485764.5), dbSNP rs2469896030, ClinGen allele CA351196332.
Genomic context (GRCh38, chr2:237,371,764, plus strand): 5'-AGGAGAACCTCCGACGCCCCCATCTCACCTGGAGGTGGATAGCGAGTGCTGGCTAAGAGC[T>C]TCTGGATCTGCTCTGAGGTCAGGGTCGTGATGGGCGTCAGCAGTTTCTGCTCCAGGCTGG-3'
Protein context (NP_004360.2, residues 1408-1428): ITTLTSEQIQ[Lys1418Arg]LLASTRYPPP